The following is an entry in ClinVar:

ClinVar aggregate classification (germline): Uncertain significance (1 of 4 stars; one submission).

Conditions:
Ehlers-Danlos syndrome, type 4 (EDSVASC). Also called: Ehlers-Danlos syndrome vascular type; Ehlers Danlos syndrome, ecchymotic type; Ehlers Danlos syndrome, arterial type; Ehlers Danlos syndrome, Sack-Barabas type; Ehlers-Danlos Syndrome Type IV. Identifiers: Orphanet 286, MedGen C0268338, MONDO:0017314, OMIM 130050.

Allele frequency attached by ClinVar (database versions not stated): gnomAD exomes below 0.00001; gnomAD 0.00001.
gnomAD v4.1: 3 of 1,613,262 alleles (0.00019%); highest among the groups gnomAD compares: Non-Finnish European, 0.00025%; no homozygotes.

Submission:

Labcorp Genetics (formerly Invitae), Labcorp
Classification: Uncertain significance for Ehlers-Danlos syndrome, type 4. Last evaluated: 2022-11-08. Review status: criteria provided, single submitter. Criteria: Invitae Variant Classification Sherloc (09022015). Collection method: clinical testing. Allele origin: germline.
Comment: In summary, the available evidence is currently insufficient to determine the role of this variant in disease. Therefore, it has been classified as a Variant of Uncertain Significance. Advanced modeling of protein sequence and biophysical properties (such as structural, functional, and spatial information, amino acid conservation, physicochemical variation, residue mobility, and thermodynamic stability) performed at Invitae indicates that this missense variant is not expected to disrupt COL3A1 protein function. This variant has not been reported in the literature in individuals affected with COL3A1-related conditions. This variant is not present in population databases (gnomAD no frequency). This sequence change replaces asparagine, which is neutral and polar, with serine, which is neutral and polar, at codon 272 of the COL3A1 protein (p.Asn272Ser).

NM_000090.4(COL3A1):c.815A>G (p.Asn272Ser)

Gene: COL3A1 (collagen type III alpha 1 chain; plus strand). Cytogenetic location: 2q32.2.
Variant type: single nucleotide variant.
Coding change: c.815A>G on transcript NM_000090.4 (MANE Select); coding-DNA position 815, A replaced by G.
Protein change: p.Asn272Ser; replaces asparagine 272 with serine.
Molecular consequence: missense variant.
Genome position (GRCh38, 1-based): chr2:188,991,020, A>G. VCF-style: chr2-188991020-A-G. GRCh37 (hg19) VCF-style: chr2-189855746-A-G.
Other names: short protein forms N272S.
Identifiers: ClinVar variation 2890100 (VCV002890100.3), dbSNP rs548740699, ClinGen allele CA62592365.